The following is an entry in ClinVar:

ClinVar aggregate classification (germline): Uncertain significance (1 of 4 stars; one submission).

Conditions:
DICER1-related tumor predisposition. Also called: DICER1 syndrome; DICER1-related pleuropulmonary blastoma cancer predisposition syndrome. Identifiers: Orphanet 284343, MedGen C3839822, MONDO:0100216.

Submission:

Labcorp Genetics (formerly Invitae), Labcorp
Classification: Uncertain significance for DICER1-related tumor predisposition. Last evaluated: 2024-04-15. Review status: criteria provided, single submitter. Criteria: Invitae Variant Classification Sherloc (09022015). Collection method: clinical testing. Allele origin: germline.
Comment: This sequence change replaces aspartic acid, which is acidic and polar, with asparagine, which is neutral and polar, at codon 949 of the DICER1 protein (p.Asp949Asn). This variant is not present in population databases (gnomAD no frequency). This variant has not been reported in the literature in individuals affected with DICER1-related conditions. Advanced modeling of protein sequence and biophysical properties (such as structural, functional, and spatial information, amino acid conservation, physicochemical variation, residue mobility, and thermodynamic stability) performed at Invitae indicates that this missense variant is not expected to disrupt DICER1 protein function with a negative predictive value of 80%. In summary, the available evidence is currently insufficient to determine the role of this variant in disease. Therefore, it has been classified as a Variant of Uncertain Significance.

NM_177438.3(DICER1):c.2845G>A (p.Asp949Asn)

Gene: DICER1 (dicer 1, ribonuclease III; minus strand). Cytogenetic location: 14q32.13.
Variant type: single nucleotide variant.
Coding change: c.2845G>A on transcript NM_177438.3 (MANE Select); coding-DNA position 2845, G replaced by A.
Protein change: p.Asp949Asn; replaces aspartic acid 949 with asparagine.
Molecular consequence: missense variant. On other transcripts: non-coding transcript variant (6).
Genome position (GRCh38, 1-based): chr14:95,106,183, C>T on the plus strand (G>A on the coding strand, the complement: DICER1 is on the minus strand). VCF-style: chr14-95106183-C-T. GRCh37 (hg19) VCF-style: chr14-95572520-C-T.
Other names: c.2845G>A, p.Asp949Asn (NM_001195573.1, NM_001271282.3, NM_001291628.2 and 12 more transcripts); c.2563G>A, p.Asp855Asn (NM_001395686.1); c.2440G>A, p.Asp814Asn (NM_001395687.1, NM_001395688.1, NM_001395689.1 and 2 more transcripts); c.2278G>A, p.Asp760Asn (NM_001395691.1); c.1162G>A, p.Asp388Asn (NM_001395697.1); short protein forms D388N, D760N, D814N, D855N, D949N.
Identifiers: ClinVar variation 3649905 (VCV003649905.2).